The following is an entry in ClinVar:

NM_001394998.1(TANC2):c.2509G>A (p.Val837Ile)

Gene: TANC2 (tetratricopeptide repeat, ankyrin repeat and coiled-coil containing 2; plus strand). Cytogenetic location: 17q23.3.
Variant type: single nucleotide variant.
Coding change: c.2509G>A on transcript NM_001394998.1 (MANE Select); coding-DNA position 2509, G replaced by A.
Protein change: p.Val837Ile; replaces valine 837 with isoleucine.
Molecular consequence: missense variant.
Genome position (GRCh38, 1-based): chr17:63,355,317, G>A. VCF-style: chr17-63355317-G-A. GRCh37 (hg19) VCF-style: chr17-61432678-G-A.
Other names: c.2287G>A, p.Val763Ile (NM_001411076.1, NM_025185.4); short protein forms V763I, V837I.
Identifiers: ClinVar variation 3600966 (VCV003600966.1).

ClinVar aggregate classification (germline): Uncertain significance (1 of 4 stars; one submission).

Submission:

GeneDx
Classification: Uncertain significance. Last evaluated: 2024-07-22. Review status: criteria provided, single submitter. Criteria: GeneDx Variant Classification Process June 2021. Collection method: clinical testing. Allele origin: germline. Affected: yes.
Comment: Not observed at significant frequency in large population cohorts (gnomAD); In silico analysis indicates that this missense variant does not alter protein structure/function; Has not been previously published as pathogenic or benign to our knowledge